The following is an entry in ClinVar:

NM_000135.4(FANCA):c.2859C>G (p.Asp953Glu)

Gene: FANCA (FA complementation group A; minus strand). Cytogenetic location: 16q24.3.
Variant type: single nucleotide variant.
Coding change: c.2859C>G on transcript NM_000135.4 (MANE Select); coding-DNA position 2859, C replaced by G.
Protein change: p.Asp953Glu; replaces aspartic acid 953 with glutamic acid.
Molecular consequence: missense variant.
Genome position (GRCh38, 1-based): chr16:89,758,699, G>C on the plus strand (C>G on the coding strand, the complement: FANCA is on the minus strand). VCF-style: chr16-89758699-G-C. GRCh37 (hg19) VCF-style: chr16-89825107-G-C.
Other names: c.2859C>G (NM_000135.3, LRG_495t1); c.2859C>G, p.Asp953Glu (NM_001286167.3); short protein forms D953E.
Identifiers: ClinVar variation 376974 (VCV000376974.63), dbSNP rs149112292, ClinGen allele CA8251450.
Genomic context (GRCh38, chr16:89,758,699, plus strand): 5'-ACAGCCCCCTGAAGCCGAGGACTCAGGGAGAAAGTGCTCATGGATCGCCCACTGGTGGAA[G>C]TCCTGCCTAGAACAGCAAACACTGCTATCAATTCTGAGAAATGCTTCGTGGCCAGCGGTT-3'
Protein context (NP_000126.2, residues 943-963): ADALSDTERQ[Asp953Glu]FHQWAIHEHF

ClinVar aggregate classification (germline): Conflicting classifications of pathogenicity. Review status: criteria provided, conflicting classifications (1 of 4 stars). 18 submissions from 18 submitters: Uncertain significance (4); Benign (2); Likely benign (8). 4 of the submissions do not count toward it. Last evaluated 2026-09-01.

Conditions:
Fanconi anemia (FA). Also called: Fanconi's anemia. Identifiers: Orphanet 84, MedGen C0015625, MeSH D005199, MONDO:0019391.
FANCA-related disorder. Also called: FANCA-related condition.
Fanconi anemia complementation group A (FANCA). Also called: Fanconi anemia, group A; FANCA-Related Fanconi Anemia. Identifiers: Orphanet 84, MedGen C3469521, MONDO:0009215, OMIM 227650.

Allele frequency attached by ClinVar (database versions not stated): 1000 Genomes Project 0.00040; 1000 Genomes Project 30x 0.00047; ESP Exome Variant Server 0.00054; TOPMed 0.00059; gnomAD 0.00119 and 0.00125; ExAC 0.00138.
gnomAD v4.1: 1,546 of 1,613,668 alleles (0.096%); highest among the groups gnomAD compares: Middle Eastern, 0.18%; 3 homozygotes.

Submissions (18):

CeGaT Center for Human Genetics Tuebingen
Classification: Likely benign. Last evaluated: 2026-09-01. Review status: criteria provided, single submitter. Criteria: CeGaT Center For Human Genetics Tuebingen Variant Classification Criteria Version 2. Collection method: clinical testing. Allele origin: germline. Affected: yes. Observed: 18 variant alleles.
Comment: FANCA: BP4

Labcorp Genetics (formerly Invitae), Labcorp
Classification: Benign for Fanconi anemia. Last evaluated: 2026-01-28. Review status: criteria provided, single submitter. Criteria: Invitae Variant Classification Sherloc (09022015). Collection method: clinical testing. Allele origin: germline.

Quest Diagnostics Nichols Institute San Juan Capistrano
Classification: Likely benign. Last evaluated: 2025-05-14. Review status: criteria provided, single submitter. Criteria: Quest Diagnostics criteria. Collection method: clinical testing. Allele origin: unknown.

KCCC/NGS Laboratory, Kuwait Cancer Control Center
Classification: Benign for Fanconi anemia complementation group A. Last evaluated: 2025-02-01. Review status: criteria provided, single submitter. Criteria: ACMG Guidelines, 2015. Collection method: clinical testing. Allele origin: germline. Affected: no.

Dasa
Classification: Likely benign. Last evaluated: 2024-12-16. Review status: criteria provided, single submitter. Criteria: DASA Assertion Criteria. Collection method: clinical testing. Allele origin: germline.
Comment: NM_000135.4(FANCA):c.2859C>G (p.Asp953Glu) is a missense variant that results in the substitution of aspartic acid with glutamic acid. Population frequency is inconsistent with a disease-causing role for this variant. Computational prediction algorithms are consistent with a benign effect. Therefore, based on the currently available evidence, this variant is classified as likely benign.

Blueprint Genetics
Classification: Likely benign. Last evaluated: 2024-11-19. Review status: criteria provided, single submitter. Criteria: ACMG Guidelines, 2015. Collection method: clinical testing. Allele origin: germline.

Women's Health and Genetics/Laboratory Corporation of America, LabCorp
Classification: Likely benign. Last evaluated: 2023-12-15. Review status: criteria provided, single submitter. Criteria: LabCorp Variant Classification Summary - May 2015. Collection method: clinical testing. Allele origin: germline.
Comment: Variant summary: FANCA c.2859C>G (p.Asp953Glu) results in a conservative amino acid change in the encoded protein sequence. Five of five in-silico tools predict a benign effect of the variant on protein function. The variant allele was found at a frequency of 0.00096 in 1613668 control chromosomes in the gnomAD database, including 3 homozygotes. This frequency is not significantly higher than estimated for a pathogenic variant in FANCA causing Fanconi Anemia (0.00096 vs 0.0022), allowing no conclusion about variant significance. c.2859C>G has been reported in the literature in settings of multi-gene panel testing in individuals affected with a personal or family history of breast/ovarian cancer, pancreatic cancer, or inflammatory leiomyosarcoma, reported as a VUS, without evidence for causality (e.g. Bonache_2018, Schwartz_2019, Moradian_2021, Sukhanova_2022). These report(s) do not provide unequivocal conclusions about association of the variant with Fanconi Anemia. At least one publication reports experimental evidence evaluating an impact on protein function. The most pronounced variant effect results in complementation of cell survival in FANCA-null cells in vitro with MMC treatment at values ~75% of WT (e.g. Kimble_2018). The following publications have been ascertained in the context of this evaluation (PMID: 30306255, 29098742, 23021409, 33558524, 31432501, 35655404). Ten submitters have cited clinical-significance assessments for this variant to ClinVar after 2014. Multiple submitters reported the variant with conflicting assessments, classifying the variant as benign (n=1), likely benign (n=4), uncertain significance (n=4), or pathogenic (n=1). Based on the evidence outlined above, the variant was classified as likely benign.

Institute of Human Genetics, Clinical Exome/Genome Diagnostics Group, University Hospital Bonn
Classification: Uncertain significance for Fanconi anemia complementation group A. Last evaluated: 2022-06-03. Review status: criteria provided, single submitter. Criteria: ACMG Guidelines, 2015. Collection method: clinical testing. Allele origin: germline. Affected: yes.

Institute for Clinical Genetics, University Hospital TU Dresden, University Hospital TU Dresden
Classification: Uncertain significance. Last evaluated: 2021-11-03. Review status: criteria provided, single submitter. Criteria: ACMG Guidelines, 2015. Collection method: clinical testing. Allele origin: germline.

Sema4
Classification: Uncertain significance for Fanconi anemia. Last evaluated: 2021-10-06. Review status: criteria provided, single submitter. Criteria: Sema4 Curation Guidelines. Collection method: curation. Allele origin: germline.
Comment: The FANCA c.2859C>G (p.D953E) variant has been reported in heterozygosity in at least 1 individual with familial pancreatic cancer and 1 individual with global developmental delay (PMID: 31432501, 25533962). It was observed in 161/25112 chromosomes of the Finnish subpopulation, with 0 homozygotes, in the large and broad cohorts of the Genome Aggregation Database. The variant has been reported in ClinVar (Variation ID: 376974). Functional studies have not been performed, and in silico predictions of the variant's effect on protein function are inconclusive. The evidence is insufficient to meet ACMG/AMP criteria for classifying the variant as benign or pathogenic. Thus, the clinical significance of this variant is currently uncertain.

Genetic Services Laboratory, University of Chicago
Classification: Likely benign. Last evaluated: 2021-06-18. Review status: criteria provided, single submitter. Criteria: ACMG Guidelines, 2015. Collection method: clinical testing. Allele origin: germline. Affected: no.

Genome-Nilou Lab
Classification: Likely benign for Fanconi anemia complementation group A. Last evaluated: 2021-05-18. Review status: criteria provided, single submitter. Criteria: ACMG Guidelines, 2015. Collection method: clinical testing. Allele origin: germline. Affected: no.

Center for Pediatric Genomic Medicine, Children's Mercy Hospital and Clinics
Classification: Likely benign. Last evaluated: 2017-05-08. Review status: criteria provided, single submitter. Criteria: ACMG Guidelines, 2015. Collection method: clinical testing. Allele origin: germline.

Illumina Laboratory Services, Illumina
Classification: Uncertain significance for Fanconi anemia complementation group A. Last evaluated: 2017-04-27. Review status: criteria provided, single submitter. Criteria: ICSL Variant Classification Criteria 13 December 2019. Collection method: clinical testing. Allele origin: germline.
Comment: This variant was observed as part of a predisposition screen in an ostensibly healthy population. A literature search was performed for the gene, cDNA change, and amino acid change (where applicable). Publications were found based on this search. However, the evidence from the literature, in combination with allele frequency data from public databases where available, was not sufficient to rule this variant in or out of causing disease. Therefore, this variant is classified as a variant of unknown significance.

PreventionGenetics, part of Exact Sciences
Classification: Likely benign for FANCA-related condition. Last evaluated: 2020-06-26. Review status: no assertion criteria provided. Collection method: clinical testing. Allele origin: germline. Not counted in ClinVar's aggregate classification.
Comment: This variant is classified as likely benign based on ACMG/AMP sequence variant interpretation guidelines (Richards et al. 2015 PMID: 25741868, with internal and published modifications).

Leiden Open Variation Database
Classification: Pathogenic. Last evaluated: 2020-02-28. Review status: no assertion criteria provided. Collection method: curation. Allele origin: germline. Affected: yes. Not counted in ClinVar's aggregate classification.
Comment: Curator: Arleen D. Auerbach. Submitter to LOVD: Johan den Dunnen.

Clinical Genetics DNA and cytogenetics Diagnostics Lab, Erasmus MC, Erasmus Medical Center
Classification: Likely benign. Review status: no assertion criteria provided. Collection method: clinical testing. Allele origin: germline. Affected: yes. Study: VKGL Data-share Consensus. Not counted in ClinVar's aggregate classification.

Genome Diagnostics Laboratory, University Medical Center Utrecht
Classification: Likely benign. Review status: no assertion criteria provided. Collection method: clinical testing. Allele origin: germline. Affected: yes. Study: VKGL Data-share Consensus. Not counted in ClinVar's aggregate classification.

Literature cited by the submitters: PubMed 31432501 (cited by 3 submitters); PubMed 35655404 (cited by Quest Diagnostics Nichols Institute San Juan Capistrano and Women's Health and Genetics/Laboratory Corporation of America, LabCorp); PubMed 33558524 (cited by Quest Diagnostics Nichols Institute San Juan Capistrano and Women's Health and Genetics/Laboratory Corporation of America, LabCorp); PubMed 23021409 (cited by 3 submitters); PubMed 29098742 (cited by Quest Diagnostics Nichols Institute San Juan Capistrano and Women's Health and Genetics/Laboratory Corporation of America, LabCorp); PubMed 30306255 (cited by Women's Health and Genetics/Laboratory Corporation of America, LabCorp); PubMed 25533962 (cited by Sema4 and Leiden Open Variation Database); PubMed 24728327 (cited by Illumina Laboratory Services, Illumina).